The following is an entry in ClinVar:

NM_024577.4(SH3TC2):c.1093C>T (p.His365Tyr)

Gene: SH3TC2 (SH3 domain and tetratricopeptide repeats 2; minus strand). Cytogenetic location: 5q32.
Variant type: single nucleotide variant.
Coding change: c.1093C>T on transcript NM_024577.4 (MANE Select); coding-DNA position 1093, C replaced by T.
Protein change: p.His365Tyr; replaces histidine 365 with tyrosine.
Molecular consequence: missense variant.
Genome position (GRCh38, 1-based): chr5:149,031,596, G>A on the plus strand (C>T on the coding strand, the complement: SH3TC2 is on the minus strand). VCF-style: chr5-149031596-G-A. GRCh37 (hg19) VCF-style: chr5-148411159-G-A.
Other names: short protein forms H365Y.
Identifiers: ClinVar variation 1789951 (VCV001789951.2), dbSNP rs762705089, ClinGen allele CA3499295.

ClinVar aggregate classification (germline): Uncertain significance (1 of 4 stars; one submission).

Conditions:
Inborn genetic diseases. Identifiers: MedGen C0950123, MeSH D030342.

Allele frequency attached by ClinVar (database versions not stated): gnomAD exomes below 0.00001; ExAC 0.00001; TOPMed 0.00001.
gnomAD v4.1: 1 of 1,614,166 alleles (0.000062%); highest among the groups gnomAD compares: East Asian, 0.0022%; no homozygotes.

Submission:

Ambry Genetics
Classification: Uncertain significance for Inborn genetic diseases. Last evaluated: 2019-12-30. Review status: criteria provided, single submitter. Criteria: Ambry Variant Classification Scheme 2023. Collection method: clinical testing. Allele origin: germline.
Comment: The p.H365Y variant (also known as c.1093C>T), located in coding exon 9 of the SH3TC2 gene, results from a C to T substitution at nucleotide position 1093. The histidine at codon 365 is replaced by tyrosine, an amino acid with similar properties. This amino acid position is not well conserved in available vertebrate species. In addition, this alteration is predicted to be tolerated by in silico analysis. Since supporting evidence is limited at this time, the clinical significance of this alteration remains unclear.